The following is an entry in ClinVar:

ClinVar aggregate classification (germline): Pathogenic (1 of 4 stars; one submission).

Submission:

Labcorp Genetics (formerly Invitae), Labcorp
Classification: Pathogenic. Last evaluated: 2023-05-26. Review status: criteria provided, single submitter. Criteria: Invitae Variant Classification Sherloc (09022015). Collection method: clinical testing. Allele origin: germline.
Comment: This sequence change creates a premature translational stop signal (p.Leu9Valfs*10) in the APOC2 gene. It is expected to result in an absent or disrupted protein product. Loss-of-function variants in APOC2 are known to be pathogenic (PMID: 1569385, 1971748, 26772541). This variant is present in population databases (rs755352904, gnomAD 0.0009%). This variant has not been reported in the literature in individuals affected with APOC2-related conditions. For these reasons, this variant has been classified as Pathogenic.

Literature cited by the submitters: PubMed 1569385; PubMed 1971748; PubMed 26772541.

NM_000483.5(APOC2):c.25_26del (p.Leu9fs)

Genes: APOC2 (apolipoprotein C2; plus strand), APOC4-APOC2 (APOC4-APOC2 readthrough (NMD candidate); plus strand). Cytogenetic location: 19q13.32.
Variant type: Microsatellite.
Coding change: c.25_26del on transcript NM_000483.5 (MANE Select); coding-DNA positions 25 to 26, 2 bases deleted (CT; older notation c.25_26delCT).
Protein change: p.Leu9fs; shifts the reading frame from leucine 9.
Molecular consequence: frameshift variant. On other transcripts: non-coding transcript variant (1).
Genome position (GRCh38, 1-based): chr19:44,948,503-44,948,504, CT deleted; deleting any 2 consecutive bases within chr19:44,948,501-44,948,504 gives the same sequence; the c. name uses the placement nearest the transcript's 3' end. VCF-style (leftmost placement, unchanged base first): chr19-44948500-GCT-G. GRCh37 (hg19) VCF-style: chr19-45451757-GCT-G.
Other names: short protein forms L9fs.
Identifiers: ClinVar variation 2992672 (VCV002992672.3), dbSNP rs755352904, ClinGen allele CA9506571.